The following is an entry in ClinVar:

NM_000070.3(CAPN3):c.943C>T (p.Arg315Trp)

Gene: CAPN3 (calpain 3; plus strand). Cytogenetic location: 15q15.1.
Variant type: single nucleotide variant.
Coding change: c.943C>T on transcript NM_000070.3 (MANE Select); coding-DNA position 943, C replaced by T.
Protein change: p.Arg315Trp; replaces arginine 315 with tryptophan.
Molecular consequence: missense variant. On other transcripts: intron variant (1).
Genome position (GRCh38, 1-based): chr15:42,390,094, C>T. VCF-style: chr15-42390094-C-T. GRCh37 (hg19) VCF-style: chr15-42682292-C-T.
Other names: c.943C>T, p.Arg315Trp (NM_024344.2); c.801+998C>T (NM_173087.2); short protein forms R315W.
Identifiers: ClinVar variation 1516012 (VCV001516012.6), dbSNP rs748651267, ClinGen allele CA7511173.

ClinVar aggregate classification (germline): Uncertain significance. Review status: criteria provided, multiple submitters, no conflicts (2 of 4 stars). 2 submissions from 2 submitters: Uncertain significance (2). Last evaluated 2025-10-02.

Conditions:
Autosomal recessive limb-girdle muscular dystrophy type 2A (LGMDR1). Also called: Muscular dystrophy, limb-girdle, type 2A, Amish; Limb-girdle muscular dystrophy, type 2A; LEYDEN-MOEBIUS MUSCULAR DYSTROPHY; MUSCULAR DYSTROPHY, PELVOFEMORAL; Calpainopathy. Identifiers: Orphanet 267, MedGen C1869123, MONDO:0009675, OMIM 253600. Disease mechanism: loss of function.

Allele frequency attached by ClinVar (database versions not stated): ExAC 0.00001; gnomAD 0.00001; TOPMed 0.00002; gnomAD exomes 0.00001 and 0.00002.
gnomAD v4.1: 14 of 1,613,992 alleles (0.00087%); highest among the groups gnomAD compares: Admixed American, 0.0067%; no homozygotes.

Submissions (2):

Labcorp Genetics (formerly Invitae), Labcorp
Classification: Uncertain significance for Autosomal recessive limb-girdle muscular dystrophy type 2A. Last evaluated: 2025-10-02. Review status: criteria provided, single submitter. Criteria: Invitae Variant Classification Sherloc (09022015). Collection method: clinical testing. Allele origin: germline.
Comment: This sequence change replaces arginine, which is basic and polar, with tryptophan, which is neutral and slightly polar, at codon 315 of the CAPN3 protein (p.Arg315Trp). This variant is present in population databases (rs748651267, gnomAD 0.009%). This variant has not been reported in the literature in individuals affected with CAPN3-related conditions. ClinVar contains an entry for this variant (Variation ID: 1516012). An algorithm developed to predict the effect of missense changes on protein structure and function (PolyPhen-2) suggests that this variant is likely to be tolerated. In summary, the available evidence is currently insufficient to determine the role of this variant in disease. Therefore, it has been classified as a Variant of Uncertain Significance.

Myriad Genetics, Inc.
Classification: Uncertain significance for Autosomal recessive limb-girdle muscular dystrophy type 2A. Last evaluated: 2025-09-04. Review status: criteria provided, single submitter. Criteria: Myriad Autosomal Dominant, Autosomal Recessive and X-Linked Classification Criteria (2023). Collection method: clinical testing. Allele origin: unknown.
Comment: NM_000070.2(CAPN3):c.943C>T(R315W) is a missense variant classified as a variant of uncertain significance in the context of calpainopathy. R315W has been observed in a case with relevant disease (PMID: 39678382). Relevant functional assessments of this variant are not available in the literature. R315W has been observed in referenced population frequency databases. In summary, there is insufficient evidence to classify NM_000070.2(CAPN3):c.943C>T(R315W) as pathogenic or benign. Please note: this variant was assessed in the context of healthy population screening.

Literature cited by the submitters: PubMed 39678382 (cited by Myriad Genetics, Inc.).